The following is an entry in ClinVar:

ClinVar aggregate classification (germline): Likely benign. Review status: criteria provided, multiple submitters, no conflicts (2 of 4 stars). 3 submissions from 3 submitters: Likely benign (3). Last evaluated 2026-01-05.

Conditions:
Baller-Gerold syndrome (BGS). Also called: CRANIOSYNOSTOSIS WITH RADIAL DEFECTS. Identifiers: Orphanet 1225, MedGen C0265308, MONDO:0009039, OMIM 218600.

Allele frequency attached by ClinVar (database versions not stated): gnomAD 0.00005 and 0.00006; TOPMed 0.00006; 1000 Genomes Project 30x 0.00016; 1000 Genomes Project 0.00020; ESP Exome Variant Server 0.00023.
gnomAD v4.1: 79 of 1,611,358 alleles (0.0049%); highest among the groups gnomAD compares: Middle Eastern, 0.05%; no homozygotes.

Submissions (3):

Labcorp Genetics (formerly Invitae), Labcorp
Classification: Likely benign for Baller-Gerold syndrome. Last evaluated: 2026-01-05. Review status: criteria provided, single submitter. Criteria: Invitae Variant Classification Sherloc (09022015). Collection method: clinical testing. Allele origin: germline.

Blueprint Genetics
Classification: Likely benign. Last evaluated: 2024-07-12. Review status: criteria provided, single submitter. Criteria: ACMG Guidelines, 2015. Collection method: clinical testing. Allele origin: germline.

CeGaT Center for Human Genetics Tuebingen
Classification: Likely benign. Last evaluated: 2023-01-01. Review status: criteria provided, single submitter. Criteria: CeGaT Center For Human Genetics Tuebingen Variant Classification Criteria Version 2. Collection method: clinical testing. Allele origin: germline. Affected: yes. Observed: 2 variant alleles.
Comment: RECQL4: BP4, BP7

NM_004260.4(RECQL4):c.3363C>T (p.Asp1121=)

Gene: RECQL4 (RecQ like helicase 4; minus strand). Cytogenetic location: 8q24.3.
Variant type: single nucleotide variant.
Coding change: c.3363C>T on transcript NM_004260.4 (MANE Select); coding-DNA position 3363, C replaced by T.
Protein change: p.Asp1121=; no amino-acid change (aspartic acid 1121 retained).
Molecular consequence: synonymous variant.
Genome position (GRCh38, 1-based): chr8:144,511,941, G>A on the plus strand (C>T on the coding strand, the complement: RECQL4 is on the minus strand). VCF-style: chr8-144511941-G-A. GRCh37 (hg19) VCF-style: chr8-145737324-G-A.
Identifiers: ClinVar variation 459472 (VCV000459472.35), dbSNP rs148752485, ClinGen allele CA4947801.